The following is an entry in ClinVar:

ClinVar aggregate classification (germline): Uncertain significance (1 of 4 stars; one submission).

gnomAD v4.1: 13 of 1,613,988 alleles (0.00081%); highest among the groups gnomAD compares: South Asian, 0.012%; no homozygotes.

Submission:

Labcorp Genetics (formerly Invitae), Labcorp
Classification: Uncertain significance. Last evaluated: 2024-09-13. Review status: criteria provided, single submitter. Criteria: Invitae Variant Classification Sherloc (09022015). Collection method: clinical testing. Allele origin: germline.
Comment: This sequence change creates a premature translational stop signal (p.Ser1008*) in the ANKRD26 gene. It is expected to result in an absent or disrupted protein product. However, the current clinical and genetic evidence is not sufficient to establish whether loss-of-function variants in ANKRD26 cause disease. This variant is present in population databases (rs756518797, gnomAD 0.01%). This variant has not been reported in the literature in individuals affected with ANKRD26-related conditions. In summary, the available evidence is currently insufficient to determine the role of this variant in disease. Therefore, it has been classified as a Variant of Uncertain Significance.

NM_014915.3(ANKRD26):c.3023C>G (p.Ser1008Ter)

Gene: ANKRD26 (ankyrin repeat domain 26; minus strand). Cytogenetic location: 10p12.1.
Variant type: single nucleotide variant.
Coding change: c.3023C>G on transcript NM_014915.3 (MANE Select); coding-DNA position 3023, C replaced by G.
Protein change: p.Ser1008Ter; replaces serine 1008 with a stop codon.
Molecular consequence: nonsense.
Genome position (GRCh38, 1-based): chr10:27,035,427, G>C on the plus strand (C>G on the coding strand, the complement: ANKRD26 is on the minus strand). VCF-style: chr10-27035427-G-C. GRCh37 (hg19) VCF-style: chr10-27324356-G-C.
Other names: c.3020C>G, p.Ser1007Ter (NM_001256053.2); short protein forms S1007*, S1008*.
Identifiers: ClinVar variation 3713552 (VCV003713552.2).